The following is an entry in ClinVar:

NM_012318.3(LETM1):c.1528G>A (p.Glu510Lys)

Gene: LETM1 (leucine zipper and EF-hand containing transmembrane protein 1; minus strand). Cytogenetic location: 4p16.3.
Variant type: single nucleotide variant.
Coding change: c.1528G>A on transcript NM_012318.3 (MANE Select); coding-DNA position 1528, G replaced by A.
Protein change: p.Glu510Lys; replaces glutamic acid 510 with lysine.
Molecular consequence: missense variant.
Genome position (GRCh38, 1-based): chr4:1,822,261, C>T on the plus strand (G>A on the coding strand, the complement: LETM1 is on the minus strand). VCF-style: chr4-1822261-C-T. GRCh37 (hg19) VCF-style: chr4-1823988-C-T.
Other names: c.1528G>A (NM_012318.2); short protein forms E510K.
Identifiers: ClinVar variation 2161783 (VCV002161783.5), dbSNP rs143969650, ClinGen allele CA2811225.
Genomic context (GRCh38, chr4:1,822,261, plus strand): 5'-GGGCAGTGTCCTTCAAGGTCTCTGACTGCAGGACTGTGTCAGGCATTTCTGGCTGTGGCT[C>T]GGTCCCCGGCCTTTGGGGAGCAGCTACCACACGTTCGGGCTCAAAATCCTTCTGAAAGGC-3'
Protein context (NP_036450.1, residues 500-520): VVAAPQRPGT[Glu510Lys]PQPEMPDTVL

ClinVar aggregate classification (germline): Uncertain significance. Review status: criteria provided, multiple submitters, no conflicts (2 of 4 stars). 2 submissions from 2 submitters: Uncertain significance (2). Last evaluated 2024-11-11.

Conditions:
Inborn genetic diseases. Identifiers: MedGen C0950123, MeSH D030342.

Allele frequency attached by ClinVar (database versions not stated): TOPMed 0.00003; gnomAD exomes 0.00005; gnomAD 0.00007; ExAC 0.00010; ESP Exome Variant Server 0.00015; 1000 Genomes Project 0.00020; 1000 Genomes Project 30x 0.00031.
gnomAD v4.1: 87 of 1,545,170 alleles (0.0056%); highest among the groups gnomAD compares: South Asian, 0.031%; 1 homozygote.

Submissions (2):

Labcorp Genetics (formerly Invitae), Labcorp
Classification: Uncertain significance. Last evaluated: 2024-11-11. Review status: criteria provided, single submitter. Criteria: Invitae Variant Classification Sherloc (09022015). Collection method: clinical testing. Allele origin: germline.
Comment: This sequence change replaces glutamic acid, which is acidic and polar, with lysine, which is basic and polar, at codon 510 of the LETM1 protein (p.Glu510Lys). This variant is present in population databases (rs143969650, gnomAD 0.03%). This variant has not been reported in the literature in individuals affected with LETM1-related conditions. ClinVar contains an entry for this variant (Variation ID: 2161783). An algorithm developed to predict the effect of missense changes on protein structure and function outputs the following: PolyPhen-2: "Benign". The lysine amino acid residue is found in multiple mammalian species, which suggests that this missense change does not adversely affect protein function. In summary, the available evidence is currently insufficient to determine the role of this variant in disease. Therefore, it has been classified as a Variant of Uncertain Significance.

Ambry Genetics
Classification: Uncertain significance for Inborn genetic diseases. Last evaluated: 2024-01-31. Review status: criteria provided, single submitter. Criteria: Ambry Variant Classification Scheme 2023. Collection method: clinical testing. Allele origin: germline.